The following is an entry in ClinVar:

ClinVar aggregate classification (germline): Likely pathogenic (1 of 4 stars; one submission).

Conditions:
Duchenne muscular dystrophy (DMD). Also called: MUSCULAR DYSTROPHY, PSEUDOHYPERTROPHIC PROGRESSIVE, DUCHENNE TYPE; Duchenne Muscular Dystrophy (DMD). Identifiers: Orphanet 98896, MedGen C0013264, MONDO:0010679, OMIM 310200.

Submission:

Labcorp Genetics (formerly Invitae), Labcorp
Classification: Likely pathogenic for Duchenne muscular dystrophy. Last evaluated: 2025-10-02. Review status: criteria provided, single submitter. Criteria: Invitae Variant Classification Sherloc (09022015). Collection method: clinical testing. Allele origin: germline.
Comment: This sequence change falls in intron 62 of the DMD gene. It does not directly change the encoded amino acid sequence of the DMD protein. It affects a nucleotide within the consensus splice site. This variant is not present in population databases (gnomAD no frequency). This variant has been observed in individuals with Duchenne muscular dystrophy (PMID: 7668256, 16770791, 27350676, 33644936). This variant is also known as 9432+5G>C (Asn3075fs). ClinVar contains an entry for this variant (Variation ID: 1068103). Variants that disrupt the consensus splice site are a relatively common cause of aberrant splicing (PMID: 17576681, 9536098). Algorithms developed to predict the effect of sequence changes on RNA splicing suggest that this variant may disrupt the consensus splice site. In summary, the currently available evidence indicates that the variant is pathogenic, but additional data are needed to prove that conclusively. Therefore, this variant has been classified as Likely Pathogenic.

Literature cited by the submitters: PubMed 7668256; PubMed 16770791; PubMed 27350676; PubMed 33644936; PubMed 17576681; PubMed 9536098.

NM_004006.3(DMD):c.9224+5G>C

Gene: DMD (dystrophin; minus strand). Cytogenetic location: Xp21.2.
Variant type: single nucleotide variant.
Coding change: c.9224+5G>C on transcript NM_004006.3 (MANE Select); 5 bases into the intron after coding-DNA position 9224, G replaced by C.
Molecular consequence: intron variant.
Genome position (GRCh38, 1-based): chrX:31,323,593, C>G on the plus strand (G>C on the coding strand, the complement: DMD is on the minus strand). VCF-style: chrX-31323593-C-G. GRCh37 (hg19) VCF-style: chrX-31341710-C-G.
Other names: c.9200+5G>C (NM_000109.4); c.5201+5G>C (NM_004011.4); c.5192+5G>C (NM_004012.4); c.1844+5G>C (NM_004023.3, NM_004020.4, NM_004022.3 and 2 more transcripts); c.1037+5G>C (NM_004014.3); c.9212+5G>C (NM_004009.3); c.8855+5G>C (NM_004010.3).
Identifiers: ClinVar variation 1068103 (VCV001068103.9), dbSNP rs1556503812, ClinGen allele CA2499226623.